The following is an entry in ClinVar:

ClinVar aggregate classification (germline): Uncertain significance (1 of 4 stars; one submission).

Submission:

Labcorp Genetics (formerly Invitae), Labcorp
Classification: Uncertain significance. Last evaluated: 2022-12-06. Review status: criteria provided, single submitter. Criteria: Invitae Variant Classification Sherloc (09022015). Collection method: clinical testing. Allele origin: germline.
Comment: In summary, the available evidence is currently insufficient to determine the role of this variant in disease. Therefore, it has been classified as a Variant of Uncertain Significance. Advanced modeling of protein sequence and biophysical properties (such as structural, functional, and spatial information, amino acid conservation, physicochemical variation, residue mobility, and thermodynamic stability) has been performed at Invitae for this missense variant, however the output from this modeling did not meet the statistical confidence thresholds required to predict the impact of this variant on MYH9 protein function. This variant has not been reported in the literature in individuals affected with MYH9-related conditions. This variant is not present in population databases (gnomAD no frequency). This sequence change replaces glycine, which is neutral and non-polar, with cysteine, which is neutral and slightly polar, at codon 140 of the MYH9 protein (p.Gly140Cys).

NM_002473.6(MYH9):c.418G>T (p.Gly140Cys)

Gene: MYH9 (myosin heavy chain 9; minus strand). Cytogenetic location: 22q12.3.
Variant type: single nucleotide variant.
Coding change: c.418G>T on transcript NM_002473.6 (MANE Select); coding-DNA position 418, G replaced by T.
Protein change: p.Gly140Cys; replaces glycine 140 with cysteine.
Molecular consequence: missense variant.
Genome position (GRCh38, 1-based): chr22:36,341,442, C>A on the plus strand (G>T on the coding strand, the complement: MYH9 is on the minus strand). VCF-style: chr22-36341442-C-A. GRCh37 (hg19) VCF-style: chr22-36737487-C-A.
Other names: short protein forms G140C.
Identifiers: ClinVar variation 2002708 (VCV002002708.4), dbSNP rs779562117, ClinGen allele CA411548809.